The following is an entry in ClinVar:

ClinVar aggregate classification (germline): Uncertain significance (1 of 4 stars; one submission).

gnomAD v4.1: 1 of 1,613,374 alleles (0.000062%); highest among the groups gnomAD compares: Non-Finnish European, 0.000085%; no homozygotes.

Submission:

Labcorp Genetics (formerly Invitae), Labcorp
Classification: Uncertain significance. Last evaluated: 2025-04-11. Review status: criteria provided, single submitter. Criteria: Invitae Variant Classification Sherloc (09022015). Collection method: clinical testing. Allele origin: germline.
Comment: This sequence change replaces threonine, which is neutral and polar, with alanine, which is neutral and non-polar, at codon 1396 of the FBN3 protein (p.Thr1396Ala). This variant is not present in population databases (gnomAD no frequency). This variant has not been reported in the literature in individuals affected with FBN3-related conditions. An algorithm developed to predict the effect of missense changes on protein structure and function outputs the following: PolyPhen-2: "Benign". The alanine amino acid residue is found in multiple mammalian species, which suggests that this missense change does not adversely affect protein function. In summary, the available evidence is currently insufficient to determine the role of this variant in disease. Therefore, it has been classified as a Variant of Uncertain Significance.

NM_032447.5(FBN3):c.4186A>G (p.Thr1396Ala)

Gene: FBN3 (fibrillin 3; minus strand). Cytogenetic location: 19p13.2.
Variant type: single nucleotide variant.
Coding change: c.4186A>G on transcript NM_032447.5 (MANE Select); coding-DNA position 4186, A replaced by G.
Protein change: p.Thr1396Ala; replaces threonine 1396 with alanine.
Molecular consequence: missense variant.
Genome position (GRCh38, 1-based): chr19:8,111,082, T>C on the plus strand (A>G on the coding strand, the complement: FBN3 is on the minus strand). VCF-style: chr19-8111082-T-C. GRCh37 (hg19) VCF-style: chr19-8175966-T-C.
Other names: c.4186A>G, p.Thr1396Ala (NM_001321431.2); short protein forms T1396A.
Identifiers: ClinVar variation 4717267 (VCV004717267.1).
Genomic context (GRCh38, chr19:8,111,082, plus strand): 5'-CCACTCTGTCCTCTGCCCTGGCGGGCCCAACCTTACCCTGGCAGGCCCGGTGGTCCTCGG[T>C]GGGGTCAAAGCCCATCTCACATTCACAGCGGTACCCGCCGGGCGCATTGAGGCACTGCCC-3'
Protein context (NP_115823.3, residues 1386-1406): RCECEMGFDP[Thr1396Ala]EDHRACQDVD